The following is an entry in ClinVar:

NM_001378328.1(CELSR1):c.6802A>G (p.Thr2268Ala)

Gene: CELSR1 (cadherin EGF LAG seven-pass G-type receptor 1; minus strand). Cytogenetic location: 22q13.31.
Variant type: single nucleotide variant.
Coding change: c.6802A>G on transcript NM_001378328.1 (MANE Select); coding-DNA position 6802, A replaced by G.
Protein change: p.Thr2268Ala; replaces threonine 2268 with alanine.
Molecular consequence: missense variant.
Genome position (GRCh38, 1-based): chr22:46,384,624, T>C on the plus strand (A>G on the coding strand, the complement: CELSR1 is on the minus strand). VCF-style: chr22-46384624-T-C. GRCh37 (hg19) VCF-style: chr22-46780521-T-C.
Other names: c.6802A>G, p.Thr2268Ala (NM_014246.4); short protein forms T2268A.
Identifiers: ClinVar variation 3055407 (VCV003055407.2), dbSNP rs6007897, ClinGen allele CA10293623.

ClinVar aggregate classification (germline): Benign (0 of 4 stars; one submission).

Conditions:
CELSR1-related disorder. Also called: CELSR1-related condition.

Allele frequency attached by ClinVar (database versions not stated): ExAC 0.16706; 1000 Genomes Project 0.24081; 1000 Genomes Project 30x 0.25390; gnomAD 0.26863; TOPMed 0.28401; ESP Exome Variant Server 0.29779.
gnomAD v4.1: 280,251 of 1,613,128 alleles (17%); highest among the groups gnomAD compares: African/African-American, 59%; 32,578 homozygotes.

Submission:

PreventionGenetics, part of Exact Sciences
Classification: Benign for CELSR1-related condition. Last evaluated: 2019-08-02. Review status: no assertion criteria provided. Collection method: clinical testing. Allele origin: germline.
Comment: This variant is classified as benign based on ACMG/AMP sequence variant interpretation guidelines (Richards et al. 2015 PMID: 25741868, with internal and published modifications).